The following is an entry in ClinVar:

ClinVar aggregate classification (germline): Pathogenic (1 of 4 stars; one submission).

Allele frequency attached by ClinVar (database versions not stated): gnomAD exomes below 0.00001; gnomAD 0.00001; TOPMed 0.00001.
gnomAD v4.1: 6 of 1,614,046 alleles (0.00037%); highest among the groups gnomAD compares: Non-Finnish European, 0.00051%; no homozygotes.

Submission:

Labcorp Genetics (formerly Invitae), Labcorp
Classification: Pathogenic. Last evaluated: 2020-07-27. Review status: criteria provided, single submitter. Criteria: Invitae Variant Classification Sherloc (09022015). Collection method: clinical testing. Allele origin: germline.
Comment: This sequence change creates a premature translational stop signal (p.Trp809*) in the PDE6A gene. It is expected to result in an absent or disrupted protein product. This variant is not present in population databases (ExAC no frequency). This variant has not been reported in the literature in individuals with PDE6A-related conditions. Loss-of-function variants in PDE6A are known to be pathogenic (PMID: 7493036, 22128245, 23847139). For these reasons, this variant has been classified as Pathogenic.

Literature cited by the submitters: PubMed 7493036; PubMed 22128245; PubMed 23847139.

NM_000440.3(PDE6A):c.2426G>A (p.Trp809Ter)

Gene: PDE6A (phosphodiesterase 6A; minus strand). Cytogenetic location: 5q32.
Variant type: single nucleotide variant.
Coding change: c.2426G>A on transcript NM_000440.3 (MANE Select); coding-DNA position 2426, G replaced by A.
Protein change: p.Trp809Ter; replaces tryptophan 809 with a stop codon.
Molecular consequence: nonsense.
Genome position (GRCh38, 1-based): chr5:149,863,199, C>T on the plus strand (G>A on the coding strand, the complement: PDE6A is on the minus strand). VCF-style: chr5-149863199-C-T. GRCh37 (hg19) VCF-style: chr5-149242762-C-T.
Other names: short protein forms W809*.
Identifiers: ClinVar variation 1068710 (VCV001068710.7), dbSNP rs979416907, ClinGen allele CA129088380.